The following is an entry in ClinVar:

NM_152415.3(VPS37A):c.648C>A (p.Ser216Arg)

Gene: VPS37A (VPS37A subunit of ESCRT-I; plus strand). Cytogenetic location: 8p22.
Variant type: single nucleotide variant.
Coding change: c.648C>A on transcript NM_152415.3 (MANE Select); coding-DNA position 648, C replaced by A.
Protein change: p.Ser216Arg; replaces serine 216 with arginine.
Molecular consequence: missense variant.
Genome position (GRCh38, 1-based): chr8:17,276,402, C>A. VCF-style: chr8-17276402-C-A. GRCh37 (hg19) VCF-style: chr8-17133911-C-A.
Other names: p.Ser216Arg; c.573C>A, p.Ser191Arg (NM_001145152.2); c.648C>A, p.Ser216Arg (NM_001363167.1, NM_001363173.2); c.378C>A, p.Ser126Arg (NM_001363168.1, NM_001363169.1, NM_001363170.1 and 2 more transcripts); short protein forms S126R, S191R, S216R.
Identifiers: ClinVar variation 1344175 (VCV001344175.12), dbSNP rs201069468, ClinGen allele CA4643399.
Genomic context (GRCh38, chr8:17,276,402, plus strand): 5'-GAGAGCAGTCAAAAATAATGGCTGAAATTTAATATCATTTAAAACTTTTCTTTAGACAAG[C>A]CAAAATGGTTTTGGGTACAAGATGCCAGATGTCCCTGATGCATTTCCAGAACTCTCAGAA-3'
Protein context (NP_689628.2, residues 206-226): IPTVDASIPT[Ser216Arg]QNGFGYKMPD

ClinVar aggregate classification (germline): Uncertain significance. Review status: criteria provided, multiple submitters, no conflicts (2 of 4 stars). 4 submissions from 4 submitters: Uncertain significance (4). Last evaluated 2022-11-22.

Conditions:
Hereditary spastic paraplegia 53. Also called: Spastic paraplegia 53, autosomal recessive. Identifiers: Orphanet 319199, MedGen C3539494, MONDO:0013962, OMIM 614898.
Hereditary spastic paraplegia. Also called: Familial spastic paraparesis. Identifiers: Orphanet 685, MedGen C0037773, MONDO:0019064. Disease mechanism: loss of function.

Allele frequency attached by ClinVar (database versions not stated): gnomAD 0.00001 and 0.00002; gnomAD exomes 0.00002 and 0.00003; ExAC 0.00003; ESP Exome Variant Server 0.00008.
gnomAD v4.1: 38 of 1,611,212 alleles (0.0024%); highest among the groups gnomAD compares: Middle Eastern, 0.12%; no homozygotes.

Submissions (4):

Labcorp Genetics (formerly Invitae), Labcorp
Classification: Uncertain significance for Hereditary spastic paraplegia 53. Last evaluated: 2022-11-22. Review status: criteria provided, single submitter. Criteria: Invitae Variant Classification Sherloc (09022015). Collection method: clinical testing. Allele origin: germline.
Comment: Advanced modeling of protein sequence and biophysical properties (such as structural, functional, and spatial information, amino acid conservation, physicochemical variation, residue mobility, and thermodynamic stability) performed at Invitae indicates that this missense variant is not expected to disrupt VPS37A protein function. In summary, the available evidence is currently insufficient to determine the role of this variant in disease. Therefore, it has been classified as a Variant of Uncertain Significance. ClinVar contains an entry for this variant (Variation ID: 1344175). This variant has not been reported in the literature in individuals affected with VPS37A-related conditions. This variant is present in population databases (rs201069468, gnomAD 0.05%). This sequence change replaces serine, which is neutral and polar, with arginine, which is basic and polar, at codon 216 of the VPS37A protein (p.Ser216Arg).

Genome Diagnostics Laboratory, The Hospital for Sick Children
Classification: Uncertain significance for Hereditary spastic paraplegia. Last evaluated: 2021-10-08. Review status: criteria provided, single submitter. Criteria: ACMG Guidelines, 2015. Collection method: clinical testing. Allele origin: germline. Affected: yes.

Mayo Clinic Laboratories, Mayo Clinic
Classification: Uncertain significance. Last evaluated: 2021-04-16. Review status: criteria provided, single submitter. Criteria: ACMG Guidelines, 2015. Collection method: clinical testing. Allele origin: germline.

Breakthrough Genomics
Classification: Uncertain significance. Review status: criteria provided, single submitter. Criteria: ACMG Guidelines, 2015. Collection method: not provided. Allele origin: germline. Inheritance: Autosomal recessive inheritance. Affected: yes.